The following is an entry in ClinVar:

ClinVar aggregate classification (germline): Uncertain significance (1 of 4 stars; one submission).

Allele frequency attached by ClinVar (database versions not stated): gnomAD exomes below 0.00001; ExAC 0.00001; gnomAD 0.00001; TOPMed 0.00002.
gnomAD v4.1: 5 of 1,614,026 alleles (0.00031%); highest among the groups gnomAD compares: African/African-American, 0.0013%; no homozygotes.

Submission:

Labcorp Genetics (formerly Invitae), Labcorp
Classification: Uncertain significance. Last evaluated: 2022-11-24. Review status: criteria provided, single submitter. Criteria: Invitae Variant Classification Sherloc (09022015). Collection method: clinical testing. Allele origin: germline.
Comment: This sequence change replaces histidine, which is basic and polar, with arginine, which is basic and polar, at codon 492 of the KANK4 protein (p.His492Arg). This variant is present in population databases (rs759533366, gnomAD 0.002%). This variant has not been reported in the literature in individuals affected with KANK4-related conditions. Algorithms developed to predict the effect of missense changes on protein structure and function output the following: SIFT: "Tolerated"; PolyPhen-2: "Benign"; Align-GVGD: "Class C0". The arginine amino acid residue is found in multiple mammalian species, which suggests that this missense change does not adversely affect protein function. In summary, the available evidence is currently insufficient to determine the role of this variant in disease. Therefore, it has been classified as a Variant of Uncertain Significance.

NM_181712.5(KANK4):c.1475A>G (p.His492Arg)

Gene: KANK4 (KN motif and ankyrin repeat domains 4; minus strand). Cytogenetic location: 1p31.3.
Variant type: single nucleotide variant.
Coding change: c.1475A>G on transcript NM_181712.5 (MANE Select); coding-DNA position 1475, A replaced by G.
Protein change: p.His492Arg; replaces histidine 492 with arginine.
Molecular consequence: missense variant. On other transcripts: intron variant (1).
Genome position (GRCh38, 1-based): chr1:62,273,629, T>C on the plus strand (A>G on the coding strand, the complement: KANK4 is on the minus strand). VCF-style: chr1-62273629-T-C. GRCh37 (hg19) VCF-style: chr1-62739301-T-C.
Other names: c.17-2040A>G (NM_001320269.2); short protein forms H492R.
Identifiers: ClinVar variation 2987963 (VCV002987963.3), dbSNP rs759533366, ClinGen allele CA884363.